The following is an entry in ClinVar:

NM_004548.3(NDUFB10):c.181C>G (p.Gln61Glu)

Gene: NDUFB10 (NADH:ubiquinone oxidoreductase subunit B10; plus strand). Cytogenetic location: 16p13.3.
Variant type: single nucleotide variant.
Coding change: c.181C>G on transcript NM_004548.3 (MANE Select); coding-DNA position 181, C replaced by G.
Protein change: p.Gln61Glu; replaces glutamine 61 with glutamic acid.
Molecular consequence: missense variant.
Genome position (GRCh38, 1-based): chr16:1,961,203, C>G. VCF-style: chr16-1961203-C-G. GRCh37 (hg19) VCF-style: chr16-2011204-C-G.
Other names: c.181C>G (NM_004548.2); short protein forms Q61E.
Identifiers: ClinVar variation 2179213 (VCV002179213.5), dbSNP rs368139423, ClinGen allele CA7823270.

ClinVar aggregate classification (germline): Conflicting classifications of pathogenicity. Review status: criteria provided, conflicting classifications (1 of 4 stars). 2 submissions from 2 submitters: Uncertain significance (1); Likely benign (1). Last evaluated 2026-01-19.

Allele frequency attached by ClinVar (database versions not stated): gnomAD 0.00002; TOPMed 0.00002; ExAC 0.00003; ESP Exome Variant Server 0.00008.

Submissions (2):

Labcorp Genetics (formerly Invitae), Labcorp
Classification: Uncertain significance. Last evaluated: 2026-01-19. Review status: criteria provided, single submitter. Criteria: Invitae Variant Classification Sherloc (09022015). Collection method: clinical testing. Allele origin: germline.
Comment: This sequence change replaces glutamine, which is neutral and polar, with glutamic acid, which is acidic and polar, at codon 61 of the NDUFB10 protein (p.Gln61Glu). This variant is present in population databases (rs368139423, gnomAD 0.007%). This variant has not been reported in the literature in individuals affected with NDUFB10-related conditions. ClinVar contains an entry for this variant (Variation ID: 2179213). An algorithm developed to predict the effect of missense changes on protein structure and function outputs the following: PolyPhen-2: "Possibly Damaging". The glutamic acid amino acid residue is found in multiple mammalian species, which suggests that this missense change does not adversely affect protein function. In summary, the available evidence is currently insufficient to determine the role of this variant in disease. Therefore, it has been classified as a Variant of Uncertain Significance.

Ambry Genetics
Classification: Likely benign. Last evaluated: 2022-10-03. Review status: criteria provided, single submitter. Criteria: Ambry Variant Classification Scheme 2023. Collection method: clinical testing. Allele origin: germline.